The following is an entry in ClinVar:

ClinVar aggregate classification (germline): Pathogenic/Likely pathogenic. Review status: criteria provided, multiple submitters, no conflicts (2 of 4 stars). 9 submissions from 8 submitters: Pathogenic (3); Likely pathogenic (6). Last evaluated 2026-07-31.

Conditions:
Hereditary cancer-predisposing syndrome. Also called: Tumor predisposition; Hereditary Cancer Syndrome; Hereditary neoplastic syndrome; Neoplastic Syndromes, Hereditary. Identifiers: Orphanet 140162, MedGen C0027672, MeSH D009386, MONDO:0015356.
Cardiovascular phenotype. Identifiers: MedGen CN230736.
Café-au-lait macules with pulmonary stenosis (WTSN). Also called: PULMONIC STENOSIS WITH CAFE-AU-LAIT SPOTS. Identifiers: MedGen C0553586, MONDO:0008672, OMIM 193520.
Neurofibromatosis-Noonan syndrome (NFNS). Also called: NEUROFIBROMATOSIS WITH NOONAN PHENOTYPE. Identifiers: Orphanet 638, MedGen C2931482, MONDO:0011035, OMIM 601321. Disease mechanism: loss of function.
Juvenile myelomonocytic leukemia (JMML). Also called: LEUKEMIA, JUVENILE MYELOMONOCYTIC, SOMATIC. Identifiers: Orphanet 86834, MedGen C0349639, MONDO:0011908, OMIM 607785, HP:0012209.
Neurofibromatosis, type 1 (NF1). Also called: Neurofibromatosis, type I; NEUROFIBROMATOSIS, TYPE I, SOMATIC; VON RECKLINGHAUSEN DISEASE; Peripheral type neurofibromatosis. Identifiers: Orphanet 636, MedGen C0027831, MONDO:0018975, OMIM 162200. Disease mechanism: loss of function.
Neurofibromatosis, familial spinal (FSNF). Identifiers: Orphanet 636, MedGen C1834235, MONDO:0008078, OMIM 162210. Disease mechanism: loss of function.
NF1-related disorder. Also called: NF1-related condition. Identifiers: MedGen CN379171.

Allele frequency attached by ClinVar (database versions not stated): gnomAD exomes below 0.00001.
gnomAD v4.1: 1 of 1,614,166 alleles (0.000062%); highest among the groups gnomAD compares: Non-Finnish European, 0.000085%; no homozygotes.

Submissions (9):

GeneDx
Classification: Pathogenic. Last evaluated: 2026-07-31. Review status: criteria provided, single submitter. Criteria: GeneDx Variant Classification Process June 2021. Collection method: clinical testing. Allele origin: germline.
Comment: Not observed at significant frequency in large population cohorts (gnomAD); In silico analysis supports that this missense variant has a deleterious effect on protein structure/function; Also known as p.Lys1771Glu; This variant is associated with the following publications: (PMID: 23656349, 21520333, 40653509, 40133996)

Labcorp Genetics (formerly Invitae), Labcorp
Classification: Pathogenic for Neurofibromatosis, type 1. Last evaluated: 2025-12-31. Review status: criteria provided, single submitter. Criteria: Invitae Variant Classification Sherloc (09022015). Collection method: clinical testing. Allele origin: germline.
Comment: This sequence change replaces lysine, which is basic and polar, with glutamic acid, which is acidic and polar, at codon 1750 of the NF1 protein (p.Lys1750Glu). This variant is not present in population databases (gnomAD no frequency). This missense change has been observed in individual(s) with clinical features of neurofibromatosis type 1 and neurofibromatosis-Noonan syndrome (PMID: 23656349; externalcommunication, internal data). In at least one individual the variant was observed to be de novo. Invitae Evidence Modeling of clinical and family history, age, sex, and reported ancestry of multiple individuals with this NF1 variant has been performed. This variant is expected to be pathogenic with a positive predictive value of at least 99%. This is a validated machine learning model that incorporates the clinical features of 1,785,918 individuals referred to our laboratory for NF1 testing. ClinVar contains an entry for this variant (Variation ID: 428982). Invitae Evidence Modeling of protein sequence and biophysical properties (such as structural, functional, and spatial information, amino acid conservation, physicochemical variation, residue mobility, and thermodynamic stability) has been performed for this missense variant. However, the output from this modeling did not meet the statistical confidence thresholds required to predict the impact of this variant on NF1 protein function. For these reasons, this variant has been classified as Pathogenic.

Ambry Genetics
Classification: Likely pathogenic for Cardiovascular phenotype; Hereditary cancer-predisposing syndrome. Last evaluated: 2025-05-20. Review status: criteria provided, single submitter. Criteria: Ambry Variant Classification Scheme 2023. Collection method: clinical testing. Allele origin: germline.
Comment: The p.K1750E variant (also known as c.5248A>G), located in coding exon 37 of the NF1 gene, results from an A to G substitution at nucleotide position 5248. The lysine at codon 1750 is replaced by glutamic acid, an amino acid with similar properties. This variant has been reported as de novo in one individual from a cohort of patients with a clinical diagnosis or symptoms of NF1 (van Minkelen R et al. Clin. Genet. 2014 Apr;85:318-27). This missense alteration is located in a region that has a low rate of benign missense variation (Lek M et al. Nature. 2016 Aug 18;536(7616):285-91; DECIPHER: Database of Chromosomal Imbalance and Phenotype in Humans using Ensembl Resources. Firth H.V. et al. 2009. Am.J.Hum.Genet. 84, 524-533 (DOI)). This variant is considered to be rare based on population cohorts in the Genome Aggregation Database (gnomAD). This amino acid position is not well conserved in available vertebrate species. In addition, this alteration is predicted to be tolerated by in silico analysis. Based on the majority of available evidence to date, this variant is likely to be pathogenic.

3billion
Classification: Likely pathogenic for Neurofibromatosis, type 1. Last evaluated: 2024-08-27. Review status: criteria provided, single submitter. Criteria: ACMG Guidelines, 2015. Collection method: clinical testing. Allele origin: germline. Affected: yes.
Comment: The variant is observed at an extremely low frequency in the gnomAD v4.0.0 dataset (total allele frequency: <0.001%). Predicted Consequence/Location: Missense variant In silico tool predictions suggest damaging effect of the variant on gene or gene product [REVEL: 0.76 (>=0.6, sensitivity 0.68 and specificity 0.92); 3Cnet: 0.99 (>=0.6, sensitivity 0.72 and precision 0.9)]. The same nucleotide change resulting in the same amino acid change has been previously reported as pathogenic/likely pathogenic with strong evidence (ClinVar ID: VCV000428982 /PMID: 23656349). Therefore, this variant is classified as Likely pathogenic according to the recommendation of ACMG/AMP guideline.

Genome Diagnostics Laboratory, The Hospital for Sick Children
Classification: Likely pathogenic for Neurofibromatosis, type 1. Last evaluated: 2020-10-26. Review status: criteria provided, single submitter. Criteria: ACMG Guidelines, 2015. Collection method: clinical testing. Allele origin: germline. Affected: yes.

Blueprint Genetics
Classification: Likely pathogenic for NF1-related disorders. Last evaluated: 2020-07-30. Review status: criteria provided, single submitter. Criteria: ACMG Guidelines, 2015. Collection method: clinical testing. Allele origin: germline. Affected: yes. Observed: 3 variant alleles.

Ambry Genetics
Classification: Likely pathogenic for Hereditary cancer-predisposing syndrome. Last evaluated: 2016-02-06. Review status: criteria provided, single submitter. Criteria: Ambry Autosomal Dominant and X-Linked criteria (10/2015). Collection method: clinical testing. Allele origin: germline. Observed: 1 variant allele.
Comment: The p.K1771E variant (also known as c.5311A>G, c.5248A>G and p.K1750E), located in coding exon 38 of the NF1 gene, results from an A to G substitution at nucleotide position 5311. The lysine at codon 1771 is replaced by glutamic acid, an amino acid with similar properties. This variant has been reported as de novo in one individual from a cohort of patients with a clinical diagnosis or symptoms of NF1 (van Minkelen R et al. Clin. Genet., 2014 Apr;85:318-27). In addition, the in silico prediction for this alteration is inconclusive. Based on the majority of available evidence to date, this variant is likely to be pathogenic.

Center for Genomics, Ann and Robert H. Lurie Children's Hospital of Chicago
Classification: Pathogenic for Café-au-lait macules with pulmonary stenosis; Juvenile myelomonocytic leukemia; Neurofibromatosis, familial spinal; Neurofibromatosis, type 1; Neurofibromatosis-Noonan syndrome. Review status: criteria provided, single submitter. Criteria: ACMG Guidelines, 2015. Collection method: clinical testing. Allele origin: germline.
Comment: This variant has been reported in the literature as de novo in one individual with a clinical diagnosis or suspicion of Neurofibromatosis 1 (van Minkelen 2014 PMID:23656349). This variant has also been identified by multiple laboratories in several individuals with features suggestive of or consistent with Neurofibromatosis 1, and was determined to be de novo in at least one individual (ClinVar Variation ID:428982; inter-laboratory communications). Additionally, this variant is absent from large control databases. In summary, this variant is classified as pathogenic.

Clinical Biomedical Laboratory, Shriners Hospital For Children - Canada
Classification: Likely pathogenic for Neurofibromatosis-Noonan syndrome. Review status: criteria provided, single submitter. Criteria: ACMG Guidelines, 2015. Collection method: clinical testing. Allele origin: germline. Affected: yes.
Comment: The variant is not present in the Genome Aggregation Database (gnomAD v2.1.1), which indicates that the variant is rare. This variant has been submitted to ClinVar as Pathogenic/Likely Pathogenic by multiple submitters (Variation ID 428982). Based on the ACMG variant interpretation guidelines (criteria: PM2, PM5, PP2, PP3, PP4), the available evidence supports classification of this variant as Likely Pathogenic.

Literature cited by the submitters: PubMed 23656349 (cited by 3 submitters).

NM_001042492.3(NF1):c.5311A>G (p.Lys1771Glu)

Gene: NF1 (neurofibromin 1; plus strand). Cytogenetic location: 17q11.2.
Variant type: single nucleotide variant.
Coding change: c.5311A>G on transcript NM_001042492.3 (MANE Select); coding-DNA position 5311, A replaced by G.
Protein change: p.Lys1771Glu; replaces lysine 1771 with glutamic acid.
Molecular consequence: missense variant.
Genome position (GRCh38, 1-based): chr17:31,327,541, A>G. VCF-style: chr17-31327541-A-G. GRCh37 (hg19) VCF-style: chr17-29654559-A-G.
Other names: c.5248A>G, p.Lys1750Glu (NM_000267.4); short protein forms K1750E, K1771E.
Identifiers: ClinVar variation 428982 (VCV000428982.32), dbSNP rs1131691103, ClinGen allele CA399009069.